The following is an entry in ClinVar:

ClinVar aggregate classification (germline): Likely pathogenic (1 of 4 stars; one submission).

Conditions:
Hereditary spastic paraplegia 11. Also called: Spastic Paraplegia 11; SPASTIC PARAPLEGIA, AUTOSOMAL RECESSIVE, COMPLICATED, WITH THIN CORPUS CALLOSUM; SPASTIC PARAPLEGIA, AUTOSOMAL RECESSIVE, WITH MENTAL IMPAIRMENT AND THIN CORPUS CALLOSUM; Spastic paraplegia, mental retardation and thin corpus callosum; Nakamura Osame syndrome; Autosomal recessive hereditary spastic paraplegia, mental impairment, and thin corpus callosum. Identifiers: Orphanet 2822, MedGen C1858479, MONDO:0011445, OMIM 604360.

Submission:

Neuberg Centre For Genomic Medicine, NCGM
Classification: Likely pathogenic for Hereditary spastic paraplegia 11. Review status: criteria provided, single submitter. Criteria: ACMG Guidelines, 2015. Collection method: clinical testing. Allele origin: germline. Inheritance: Autosomal recessive inheritance. Affected: yes.
Comment: The stop gained variant c.3057T>A (p.Cys1019Ter) in SPG11 gene has not been reported previously as a pathogenic variant nor as a benign variant, to our knowledge. The p.Cys1019Ter variant is novel (not in any individuals) in gnomAD exomes and is novel (not in any individuals) in 1000 Genomes. This variant has not been reported to the ClinVar database. The nucleotide change c.3057T>A in SPG11 is predicted as conserved by GERP++ and PhyloP across 100 vertebrates. This variant is predicted to cause loss of normal protein function through protein truncation. Loss of function variants have been previously reported to be disease causing. For these reasons, this variant has been classified as Likely Pathogenic.

NM_025137.4(SPG11):c.3057T>A (p.Cys1019Ter)

Gene: SPG11 (SPG11 vesicle trafficking associated, spatacsin; minus strand). Cytogenetic location: 15q21.1.
Variant type: single nucleotide variant.
Coding change: c.3057T>A on transcript NM_025137.4 (MANE Select); coding-DNA position 3057, T replaced by A.
Protein change: p.Cys1019Ter; replaces cysteine 1019 with a stop codon.
Molecular consequence: nonsense.
Genome position (GRCh38, 1-based): chr15:44,613,518, A>T on the plus strand (T>A on the coding strand, the complement: SPG11 is on the minus strand). VCF-style: chr15-44613518-A-T. GRCh37 (hg19) VCF-style: chr15-44905716-A-T.
Other names: c.3057T>A, p.Cys1019Ter (NM_001160227.2, NM_001411132.1); short protein forms C1019*.
Identifiers: ClinVar variation 2584936 (VCV002584936.1), dbSNP rs2505501329, ClinGen allele CA392228770.
Genomic context (GRCh38, chr15:44,613,518, plus strand): 5'-CTGAACTAAAAATTCAAACCAAGGGTGTGCTTCATGTAACTCTTTTTTTTCCAAAAAGGG[A>T]CAATTTTCAGGACTAAGTCTGTATATAAAACAAACAAAAACCTTCTTTGATTAACATACA-3'